The following is an entry in ClinVar:

ClinVar aggregate classification (germline): Uncertain significance (1 of 4 stars; one submission).

Submission:

CeGaT Center for Human Genetics Tuebingen
Classification: Uncertain significance. Last evaluated: 2026-07-01. Review status: criteria provided, single submitter. Criteria: CeGaT Center For Human Genetics Tuebingen Variant Classification Criteria Version 2. Collection method: clinical testing. Allele origin: germline. Affected: yes. Observed: 1 variant allele.
Comment: FBXO43: PM2

NM_001029860.4(FBXO43):c.752C>G (p.Ser251Cys)

Gene: FBXO43 (F-box protein 43; minus strand). Cytogenetic location: 8q22.2.
Variant type: single nucleotide variant.
Coding change: c.752C>G on transcript NM_001029860.4 (MANE Select); coding-DNA position 752, C replaced by G.
Protein change: p.Ser251Cys; replaces serine 251 with cysteine.
Molecular consequence: missense variant. On other transcripts: non-coding transcript variant (1).
Genome position (GRCh38, 1-based): chr8:100,141,502, G>C on the plus strand (C>G on the coding strand, the complement: FBXO43 is on the minus strand). VCF-style: chr8-100141502-G-C. GRCh37 (hg19) VCF-style: chr8-101153730-G-C.
Other names: short protein forms S251C.
Identifiers: ClinVar variation 5040213 (VCV005040213.1).